The following is an entry in ClinVar:

ClinVar aggregate classification (germline): Uncertain significance (1 of 4 stars; one submission).

Conditions:
Maple syrup urine disease type 1B (MSUD1B). Also called: MSUD type IB; MSUD type 3 (formerly); MSUD due to deficiency of e1-beta subunit of branched-chain alpha-keto acid dehydrogenase complex. Identifiers: MedGen C2930990, MONDO:0023692, OMIM 620698.

Submission:

3billion
Classification: Uncertain significance for Maple syrup urine disease type 1B. Last evaluated: 2024-08-07. Review status: criteria provided, single submitter. Criteria: ACMG Guidelines, 2015. Collection method: clinical testing. Allele origin: germline. Affected: yes.
Comment: The variant is not observed in the gnomAD v4.0.0 dataset. Predicted Consequence/Location: Missense variant In silico tool predictions suggest damaging effect of the variant on gene or gene product [REVEL: 0.91 (>=0.6, sensitivity 0.68 and specificity 0.92); 3Cnet: 0.99 (>=0.6, sensitivity 0.72 and precision 0.9)]. Therefore, this variant is classified as VUS according to the recommendation of ACMG/AMP guideline.

NM_183050.4(BCKDHB):c.713T>C (p.Phe238Ser)

Gene: BCKDHB (branched chain keto acid dehydrogenase E1 subunit beta; plus strand). Cytogenetic location: 6q14.1.
Variant type: single nucleotide variant.
Coding change: c.713T>C on transcript NM_183050.4 (MANE Select); coding-DNA position 713, T replaced by C.
Protein change: p.Phe238Ser; replaces phenylalanine 238 with serine.
Molecular consequence: missense variant. On other transcripts: non-coding transcript variant (4).
Genome position (GRCh38, 1-based): chr6:80,171,361, T>C. VCF-style: chr6-80171361-T-C. GRCh37 (hg19) VCF-style: chr6-80881078-T-C.
Other names: c.713T>C, p.Phe238Ser (NM_000056.5, NM_001424035.1, NM_001424036.1 and 7 more transcripts); c.503T>C, p.Phe168Ser (NM_001318975.1, NM_001424043.1); short protein forms F168S, F238S.
Identifiers: ClinVar variation 4294017 (VCV004294017.1).